The following is an entry in ClinVar:

ClinVar aggregate classification (germline): Uncertain significance (1 of 4 stars; one submission).

Conditions:
Renal cell carcinoma. Identifiers: Orphanet 217071, MedGen C0007134, MeSH D002292, MONDO:0005086, HP:0005584.

Allele frequency attached by ClinVar (database versions not stated): gnomAD exomes 0.00001.
gnomAD v4.1: 3 of 1,614,082 alleles (0.00019%); highest among the groups gnomAD compares: South Asian, 0.0022%; no homozygotes.

Submission:

Labcorp Genetics (formerly Invitae), Labcorp
Classification: Uncertain significance for Renal cell carcinoma. Last evaluated: 2022-06-13. Review status: criteria provided, single submitter. Criteria: Invitae Variant Classification Sherloc (09022015). Collection method: clinical testing. Allele origin: germline.
Comment: This sequence change replaces alanine, which is neutral and non-polar, with threonine, which is neutral and polar, at codon 453 of the MET protein (p.Ala453Thr). This variant is not present in population databases (gnomAD no frequency). This variant has not been reported in the literature in individuals affected with MET-related conditions. ClinVar contains an entry for this variant (Variation ID: 945223). Algorithms developed to predict the effect of missense changes on protein structure and function are either unavailable or do not agree on the potential impact of this missense change (SIFT: "Deleterious"; PolyPhen-2: "Probably Damaging"; Align-GVGD: "Class C0"). In summary, the available evidence is currently insufficient to determine the role of this variant in disease. Therefore, it has been classified as a Variant of Uncertain Significance.

NM_000245.4(MET):c.1357G>A (p.Ala453Thr)

Gene: MET (MET proto-oncogene, receptor tyrosine kinase; plus strand). Cytogenetic location: 7q31.2.
Variant type: single nucleotide variant.
Coding change: c.1357G>A on transcript NM_000245.4 (MANE Select); coding-DNA position 1357, G replaced by A.
Protein change: p.Ala453Thr; replaces alanine 453 with threonine.
Molecular consequence: missense variant.
Genome position (GRCh38, 1-based): chr7:116,731,824, G>A. VCF-style: chr7-116731824-G-A. GRCh37 (hg19) VCF-style: chr7-116371878-G-A.
Other names: c.1357G>A, p.Ala453Thr (NM_001127500.3, NM_001324401.3); c.67G>A, p.Ala23Thr (NM_001324402.2); short protein forms A453T, A23T.
Identifiers: ClinVar variation 945223 (VCV000945223.11), dbSNP rs1793019219, ClinGen allele CA368973026.